The following is an entry in ClinVar:

NM_001365480.1(CCDC88A):c.2300G>C (p.Arg767Thr)

Gene: CCDC88A (coiled-coil and HOOK domain protein 88A; minus strand). Cytogenetic location: 2p16.1.
Variant type: single nucleotide variant.
Coding change: c.2300G>C on transcript NM_001365480.1 (MANE Select); coding-DNA position 2300, G replaced by C.
Protein change: p.Arg767Thr; replaces arginine 767 with threonine.
Molecular consequence: missense variant.
Genome position (GRCh38, 1-based): chr2:55,334,521, C>G on the plus strand (G>C on the coding strand, the complement: CCDC88A is on the minus strand). VCF-style: chr2-55334521-C-G. GRCh37 (hg19) VCF-style: chr2-55561657-C-G.
Other names: c.2300G>C, p.Arg767Thr (NM_001135597.2, NM_001254943.2, NM_018084.5); short protein forms R767T.
Identifiers: ClinVar variation 1999369 (VCV001999369.4), dbSNP rs2544835896, ClinGen allele CA346900130.

ClinVar aggregate classification (germline): Uncertain significance (1 of 4 stars; one submission).

Allele frequency attached by ClinVar (database versions not stated): gnomAD exomes below 0.00001.
gnomAD v4.1: 1 of 1,610,052 alleles (0.000062%); highest among the groups gnomAD compares: Non-Finnish European, 0.000085%; no homozygotes.

Submission:

Labcorp Genetics (formerly Invitae), Labcorp
Classification: Uncertain significance. Last evaluated: 2022-07-04. Review status: criteria provided, single submitter. Criteria: Invitae Variant Classification Sherloc (09022015). Collection method: clinical testing. Allele origin: germline.
Comment: In summary, the available evidence is currently insufficient to determine the role of this variant in disease. Therefore, it has been classified as a Variant of Uncertain Significance. Algorithms developed to predict the effect of missense changes on protein structure and function are either unavailable or do not agree on the potential impact of this missense change (SIFT: "Tolerated"; PolyPhen-2: "Probably Damaging"; Align-GVGD: "Class C0"). This variant has not been reported in the literature in individuals affected with CCDC88A-related conditions. This variant is not present in population databases (gnomAD no frequency). This sequence change replaces arginine, which is basic and polar, with threonine, which is neutral and polar, at codon 767 of the CCDC88A protein (p.Arg767Thr).